The following is an entry in ClinVar:

NM_000059.4(BRCA2):c.5898dup (p.Lys1967Ter)

Gene: BRCA2 (BRCA2 DNA repair associated; plus strand). Cytogenetic location: 13q13.1.
Variant type: Duplication.
Coding change: c.5898dup on transcript NM_000059.4 (MANE Select); coding-DNA position 5898, one base duplicated (T; older notation c.5898dupT).
Protein change: p.Lys1967Ter; replaces lysine 1967 with a stop codon.
Molecular consequence: nonsense. On other transcripts: non-coding transcript variant (1), intron variant (2).
Genome position (GRCh38, 1-based): chr13:32,340,253, T duplicated. VCF-style (leftmost placement, unchanged base first): chr13-32340252-A-AT. GRCh37 (hg19) VCF-style: chr13-32914389-A-AT.
Other names: c.5898dup, p.Lys1967Ter (NM_001406719.1, NM_001406720.1); c.1910-4305dup (NM_001406721.1); c.425-4305dup (NM_001406722.1); short protein forms K1967*.
Identifiers: ClinVar variation 3235765 (VCV003235765.1), dbSNP rs2548532037, ClinGen allele CA2825002108.

ClinVar aggregate classification (germline): Pathogenic (1 of 4 stars; one submission).

Conditions:
Breast-ovarian cancer, familial, susceptibility to, 2 (BROVCA2). Also called: BRCA2 Hereditary Breast and Ovarian Cancer. Identifiers: Orphanet 145, MedGen C2675520, MONDO:0012933, OMIM 612555. Disease mechanism: loss of function.

Submission:

Greenwood Genetic Center Diagnostic Laboratories, Greenwood Genetic Center
Classification: Pathogenic for Breast-ovarian cancer, familial, susceptibility to, 2. Last evaluated: 2024-02-27. Review status: criteria provided, single submitter. Criteria: ACMG Guidelines, 2015. Collection method: clinical testing. Allele origin: germline.
Comment: PVS1, PM1, PM2